The following is an entry in ClinVar:

NM_005068.3(SIM1):c.269G>T (p.Gly90Val)

Gene: SIM1 (SIM bHLH transcription factor 1; minus strand). Cytogenetic location: 6q16.3.
Variant type: single nucleotide variant.
Coding change: c.269G>T on transcript NM_005068.3 (MANE Select); coding-DNA position 269, G replaced by T.
Protein change: p.Gly90Val; replaces glycine 90 with valine.
Molecular consequence: missense variant.
Genome position (GRCh38, 1-based): chr6:100,450,346, C>A on the plus strand (G>T on the coding strand, the complement: SIM1 is on the minus strand). VCF-style: chr6-100450346-C-A. GRCh37 (hg19) VCF-style: chr6-100898222-C-A.
Other names: c.269G>T, p.Gly90Val (NM_001374769.1); short protein forms G90V.
Identifiers: ClinVar variation 3348874 (VCV003348874.1).

ClinVar aggregate classification (germline): Uncertain significance (0 of 4 stars; one submission).

Conditions:
SIM1-related disorder. Also called: SIM1-related condition; SIM1-related disorders.

Submission:

PreventionGenetics, part of Exact Sciences
Classification: Uncertain significance for SIM1-related condition. Last evaluated: 2024-02-15. Review status: no assertion criteria provided. Collection method: clinical testing. Allele origin: germline.
Comment: The SIM1 c.269G>T variant is predicted to result in the amino acid substitution p.Gly90Val. To our knowledge, this variant has not been reported in the literature or in a large population database, indicating this variant is rare. At this time, the clinical significance of this variant is uncertain due to the absence of conclusive functional and genetic evidence.